The following is an entry in ClinVar:

NM_015335.5(MED13L):c.5461C>T (p.Gln1821Ter)

Gene: MED13L (mediator complex subunit 13L; minus strand). Cytogenetic location: 12q24.21.
Variant type: single nucleotide variant.
Coding change: c.5461C>T on transcript NM_015335.5 (MANE Select); coding-DNA position 5461, C replaced by T.
Protein change: p.Gln1821Ter; replaces glutamine 1821 with a stop codon.
Molecular consequence: nonsense.
Genome position (GRCh38, 1-based): chr12:115,975,642, G>A on the plus strand (C>T on the coding strand, the complement: MED13L is on the minus strand). VCF-style: chr12-115975642-G-A. GRCh37 (hg19) VCF-style: chr12-116413447-G-A.
Other names: short protein forms Q1821*.
Identifiers: ClinVar variation 3381226 (VCV003381226.2).

ClinVar aggregate classification (germline): Likely pathogenic (1 of 4 stars; one submission).

Conditions:
Cardiac anomalies - developmental delay - facial dysmorphism syndrome (MRFACD). Also called: Impaired intellectual development and distinctive facial features with or without cardiac defects; MED13L Syndrome. Identifiers: Orphanet 369891, MedGen C5192431, MONDO:0014773, OMIM 616789.

Submission:

Servicio de Genética Del Instituto Nacional de Salud Del Niño, Ministerio de Salud
Classification: Likely pathogenic for Cardiac anomalies - developmental delay - facial dysmorphism syndrome. Last evaluated: 2024-11-18. Review status: criteria provided, single submitter. Criteria: ACMG Guidelines, 2015. Collection method: clinical testing. Allele origin: germline. Inheritance: Autosomal dominant inheritance. Affected: yes.
Comment: The variant NM_015335.5:c.5461C>T (p.Gln1821)* introduces a premature stop codon at position 1821, which is predicted to result in a truncated protein or nonsense-mediated decay (NMD). This loss-of-function mutation is expected to disrupt normal protein function. Based on ACMG/AMP guidelines, this variant meets the criteria for PVS1 and PM2, supporting its classification as likely pathogenic. The evidence includes the predicted functional consequence of a truncated protein and its likely absence in the general population